The following is an entry in ClinVar:

ClinVar aggregate classification (germline): Uncertain significance. Review status: criteria provided, multiple submitters, no conflicts (2 of 4 stars). 2 submissions from 2 submitters: Uncertain significance (2). Last evaluated 2022-07-29.

Conditions:
Xanthinuria type II. Also called: Xanthine dehydrogenase and aldehyde oxidase combined deficiency of; XDH and AOX dual deficiency. Identifiers: Orphanet 3467, Orphanet 93602, MedGen C1863688, MONDO:0011346, OMIM 603592.

Allele frequency attached by ClinVar (database versions not stated): gnomAD exomes 0.00001 and 0.00002; ExAC 0.00002; TOPMed 0.00002.
gnomAD v4.1: 6 of 1,614,088 alleles (0.00037%); highest among the groups gnomAD compares: Admixed American, 0.01%; no homozygotes.

Submissions (2):

Labcorp Genetics (formerly Invitae), Labcorp
Classification: Uncertain significance for Xanthinuria type II. Last evaluated: 2022-07-29. Review status: criteria provided, single submitter. Criteria: Invitae Variant Classification Sherloc (09022015). Collection method: clinical testing. Allele origin: germline.
Comment: This sequence change affects an acceptor splice site in intron 14 of the MOCOS gene. While this variant is not anticipated to result in nonsense mediated decay, it likely alters RNA splicing and results in a disrupted protein product. This variant is present in population databases (rs758451365, gnomAD 0.01%). Disruption of this splice site has been observed in individual(s) with clinical features of xanthinuria (Invitae). In at least one individual the data is consistent with being in trans (on the opposite chromosome) from a pathogenic variant. ClinVar contains an entry for this variant (Variation ID: 1397543). Variants that disrupt the consensus splice site are a relatively common cause of aberrant splicing (PMID: 17576681, 9536098). Algorithms developed to predict the effect of sequence changes on RNA splicing suggest that this variant may disrupt the consensus splice site. In summary, the available evidence is currently insufficient to determine the role of this variant in disease. Therefore, it has been classified as a Variant of Uncertain Significance.

Fulgent Genetics
Classification: Uncertain significance for Xanthinuria type II. Last evaluated: 2022-04-12. Review status: criteria provided, single submitter. Criteria: ACMG Guidelines, 2015. Collection method: clinical testing. Allele origin: unknown.

Literature cited by the submitters: PubMed 17576681 (cited by Labcorp Genetics (formerly Invitae), Labcorp); PubMed 9536098 (cited by Labcorp Genetics (formerly Invitae), Labcorp).

NM_017947.4(MOCOS):c.2515-1G>A

Gene: MOCOS (molybdenum cofactor sulfurase; plus strand). Cytogenetic location: 18q12.2.
Variant type: single nucleotide variant.
Coding change: c.2515-1G>A on transcript NM_017947.4 (MANE Select); the canonical splice acceptor site of the intron before coding-DNA position 2515, G replaced by A.
Molecular consequence: splice acceptor variant.
Genome position (GRCh38, 1-based): chr18:36,268,532, G>A. VCF-style: chr18-36268532-G-A. GRCh37 (hg19) VCF-style: chr18-33848495-G-A.
Identifiers: ClinVar variation 1397543 (VCV001397543.4), dbSNP rs758451365, ClinGen allele CA8941097.